The following is an entry in ClinVar:

NM_000245.4(MET):c.1554G>C (p.Leu518Phe)

Gene: MET (MET proto-oncogene, receptor tyrosine kinase; plus strand). Cytogenetic location: 7q31.2.
Variant type: single nucleotide variant.
Coding change: c.1554G>C on transcript NM_000245.4 (MANE Select); coding-DNA position 1554, G replaced by C.
Protein change: p.Leu518Phe; replaces leucine 518 with phenylalanine.
Molecular consequence: missense variant.
Genome position (GRCh38, 1-based): chr7:116,740,878, G>C. VCF-style: chr7-116740878-G-C. GRCh37 (hg19) VCF-style: chr7-116380932-G-C.
Other names: c.1554G>C, p.Leu518Phe (NM_001127500.3, NM_001324401.3); c.264G>C, p.Leu88Phe (NM_001324402.2); short protein forms L518F, L88F.
Identifiers: ClinVar variation 4860006 (VCV004860006.1).
Genomic context (GRCh38, chr7:116,740,878, plus strand): 5'-CTCTGGAAGCTCTTTCCACCCCTTCTCTTCACAGATCACGAAGATCCCATTGAATGGCTT[G>C]GGCTGCAGACATTTCCAGTCCTGCAGTCAATGCCTCTCTGCCCCACCCTTTGTTCAGTGT-3'
Protein context (NP_000236.2, residues 508-528): KKITKIPLNG[Leu518Phe]GCRHFQSCSQ

ClinVar aggregate classification (germline): Uncertain significance (1 of 4 stars; one submission).

Conditions:
Hereditary cancer-predisposing syndrome. Also called: Neoplastic Syndromes, Hereditary; Tumor predisposition; Hereditary Cancer Syndrome; Hereditary neoplastic syndrome. Identifiers: Orphanet 140162, MedGen C0027672, MeSH D009386, MONDO:0015356.

Submission:

Ambry Genetics
Classification: Uncertain significance for Hereditary cancer-predisposing syndrome. Last evaluated: 2026-06-06. Review status: criteria provided, single submitter. Criteria: Ambry Variant Classification Scheme 2023. Collection method: clinical testing. Allele origin: germline.
Comment: The p.L518F variant (also known as c.1554G>C), located in coding exon 4 of the MET gene, results from a G to C substitution at nucleotide position 1554. The leucine at codon 518 is replaced by phenylalanine, an amino acid with highly similar properties. This amino acid position is conserved. In addition, the in silico prediction for this alteration is inconclusive. Based on the available evidence, the clinical significance of this variant remains unclear.